The following is an entry in ClinVar:

NM_183050.4(BCKDHB):c.410C>A (p.Ala137Glu)

Gene: BCKDHB (branched chain keto acid dehydrogenase E1 subunit beta; plus strand). Cytogenetic location: 6q14.1.
Variant type: single nucleotide variant.
Coding change: c.410C>A on transcript NM_183050.4 (MANE Select); coding-DNA position 410, C replaced by A.
Protein change: p.Ala137Glu; replaces alanine 137 with glutamic acid.
Molecular consequence: missense variant. On other transcripts: non-coding transcript variant (1).
Genome position (GRCh38, 1-based): chr6:80,167,744, C>A. VCF-style: chr6-80167744-C-A. GRCh37 (hg19) VCF-style: chr6-80877461-C-A.
Other names: c.410C>A, p.Ala137Glu (NM_000056.5); c.200C>A, p.Ala67Glu (NM_001318975.1); short protein forms A137E, A67E.
Identifiers: ClinVar variation 1027626 (VCV001027626.15), dbSNP rs776631396, ClinGen allele CA364660495.

ClinVar aggregate classification (germline): Conflicting classifications of pathogenicity. Review status: criteria provided, conflicting classifications (1 of 4 stars). 3 submissions from 3 submitters: Pathogenic (1); Likely pathogenic (1); Uncertain significance (1). Last evaluated 2025-04-18.

Conditions:
Maple syrup urine disease (MSUD). Identifiers: Orphanet 511, MedGen C0024776, MeSH D008375, MONDO:0009563. Disease mechanism: loss of function.

gnomAD v4.1: 2 of 1,612,864 alleles (0.00012%); highest among the groups gnomAD compares: Non-Finnish European, 0.000085%; no homozygotes.

Submissions (3):

Women's Health and Genetics/Laboratory Corporation of America, LabCorp
Classification: Likely pathogenic for Maple syrup urine disease. Last evaluated: 2025-04-18. Review status: criteria provided, single submitter. Criteria: LabCorp Variant Classification Summary - May 2015. Collection method: clinical testing. Allele origin: germline.
Comment: Variant summary: BCKDHB c.410C>A (p.Ala137Glu) results in a non-conservative amino acid change located in the Transketolase-like, pyrimidine-binding domain (IPR005475) of the encoded protein sequence. Five of five in-silico tools predict a damaging effect of the variant on protein function. The variant was absent in 251162 control chromosomes. c.410C>A has been observed as a biallelic compound heterozygous genotype in at-least one individual(s) affected with pathognomic features of Maple Syrup Urine Disease at our laboratory (internal testing). A different variant affecting the same codon has been classified as pathogenic by our lab (c.410C>T, p.Ala137Val), supporting the critical relevance of codon 137 to BCKDHB protein function. To our knowledge, no experimental evidence demonstrating an impact on protein function has been reported. ClinVar contains an entry for this variant (Variation ID: 1027626). Based on the evidence outlined above, the variant was classified as likely pathogenic.

Genome-Nilou Lab
Classification: Uncertain significance for Maple syrup urine disease type 1A. Last evaluated: 2021-11-07. Review status: criteria provided, single submitter. Criteria: ACMG Guidelines, 2015. Collection method: clinical testing. Allele origin: germline. Affected: no.

Labcorp Genetics (formerly Invitae), Labcorp
Classification: Pathogenic for Maple syrup urine disease. Last evaluated: 2020-05-13. Review status: criteria provided, single submitter. Criteria: Invitae Variant Classification Sherloc (09022015). Collection method: clinical testing. Allele origin: germline.
Comment: This variant is not present in population databases (ExAC no frequency). This sequence change replaces alanine with glutamic acid at codon 137 of the BCKDHB protein (p.Ala137Glu). The alanine residue is highly conserved and there is a moderate physicochemical difference between alanine and glutamic acid. This variant has been observed in individual(s) with maple syrup urine disease (Invitae). In at least one individual the data is consistent with the variant being in trans (on the opposite chromosome) from a pathogenic variant. Algorithms developed to predict the effect of missense changes on protein structure and function (SIFT, PolyPhen-2, Align-GVGD) all suggest that this variant is likely to be disruptive, but these predictions have not been confirmed by published functional studies and their clinical significance is uncertain. This variant disrupts the p.Ala137 amino acid residue in BCKDHB. Other variant(s) that disrupt this residue have been determined to be pathogenic (PMID: 14567968, 16468966, 26830710, 29306928). This suggests that this residue is clinically significant, and that variants that disrupt this residue are likely to be disease-causing. For these reasons, this variant has been classified as Pathogenic.

Literature cited by the submitters: PubMed 14567968 (cited by Labcorp Genetics (formerly Invitae), Labcorp); PubMed 16468966 (cited by Labcorp Genetics (formerly Invitae), Labcorp); PubMed 26830710 (cited by Labcorp Genetics (formerly Invitae), Labcorp); PubMed 29306928 (cited by Labcorp Genetics (formerly Invitae), Labcorp).